The following is an entry in ClinVar:

NM_000065.5(C6):c.1816C>T (p.Arg606Ter)

Gene: C6 (complement C6; minus strand). Cytogenetic location: 5p13.1.
Variant type: single nucleotide variant.
Coding change: c.1816C>T on transcript NM_000065.5 (MANE Select); coding-DNA position 1816, C replaced by T.
Protein change: p.Arg606Ter; replaces arginine 606 with a stop codon.
Molecular consequence: nonsense.
Genome position (GRCh38, 1-based): chr5:41,159,122, G>A on the plus strand (C>T on the coding strand, the complement: C6 is on the minus strand). VCF-style: chr5-41159122-G-A. GRCh37 (hg19) VCF-style: chr5-41159224-G-A.
Other names: c.1816C>T, p.Arg606Ter (NM_001115131.4); short protein forms R606*.
Identifiers: ClinVar variation 2906086 (VCV002906086.7), dbSNP rs191386155, ClinGen allele CA3252330.
Genomic context (GRCh38, chr5:41,159,122, plus strand): 5'-TTTCCCTTACCCGGCCTTACTTGTTTTCCATGATTGAAAATGTGCAGTCTTCCTCTTGTC[G>A]CTTCTCCCCCTCACAGCGTTTCCCTCCTCGTTGGGGGGCAGGATTATTGCATTCTCGGGT-3'

ClinVar aggregate classification (germline): Pathogenic. Review status: criteria provided, multiple submitters, no conflicts (2 of 4 stars). 3 submissions from 3 submitters: Pathogenic (3). Last evaluated 2026-01-29.

Conditions:
Complement component 6 deficiency (C6D). Also called: C6 DEFICIENCY. Identifiers: MedGen C2676232, MONDO:0012908, OMIM 612446.

Allele frequency attached by ClinVar (database versions not stated): gnomAD 0.00001; ExAC 0.00002; TOPMed 0.00005; 1000 Genomes Project 30x 0.00016; 1000 Genomes Project 0.00020.
gnomAD v4.1: 50 of 1,613,530 alleles (0.0031%); highest among the groups gnomAD compares: East Asian, 0.049%; no homozygotes.

Submissions (3):

Women's Health and Genetics/Laboratory Corporation of America, LabCorp
Classification: Pathogenic for Complement component 6 deficiency. Last evaluated: 2026-01-29. Review status: criteria provided, single submitter. Criteria: LabCorp Variant Classification Summary - May 2015. Collection method: clinical testing. Allele origin: germline.
Comment: Variant summary: C6 c.1816C>T (p.Arg606X) results in a premature termination codon, predicted to cause a truncation of the encoded protein or absence of the protein due to nonsense mediated decay, which are commonly known mechanisms for disease. The variant allele was found at a frequency of 2e-05 in 250868 control chromosomes. c.1816C>T has been observed in individual(s) affected with Complement component 6 deficiency (Li_2020). These data indicate that the variant may be associated with disease. To our knowledge, no experimental evidence demonstrating an impact on protein function has been reported. The following publication has been ascertained in the context of this evaluation (PMID: 32670577). ClinVar contains an entry for this variant (Variation ID: 2906086). Based on the evidence outlined above, the variant was classified as pathogenic.

Labcorp Genetics (formerly Invitae), Labcorp
Classification: Pathogenic. Last evaluated: 2025-05-04. Review status: criteria provided, single submitter. Criteria: Invitae Variant Classification Sherloc (09022015). Collection method: clinical testing. Allele origin: germline.
Comment: This sequence change creates a premature translational stop signal (p.Arg606*) in the C6 gene. It is expected to result in an absent or disrupted protein product. Loss-of-function variants in C6 are known to be pathogenic (PMID: 17257682). This variant is present in population databases (rs191386155, gnomAD 0.01%). This premature translational stop signal has been observed in individual(s) with complete C6 deficiency (PMID: 32670577). ClinVar contains an entry for this variant (Variation ID: 2906086). For these reasons, this variant has been classified as Pathogenic.

Juno Genomics, Hangzhou Juno Genomics, Inc
Classification: Pathogenic for Complement component 6 deficiency. Review status: criteria provided, single submitter. Criteria: ACMG Guidelines, 2015. Collection method: clinical testing. Allele origin: germline.
Comment: Absent from controls (or at extremely low frequency if recessive) in Genome Aggregation Database.;Null variant in a gene where loss of function (LOF) is a known mechanism of disease.;For recessive disorders, detected in trans with a pathogenic variant.;Co-segregation with disease in multiple affected family members.

Literature cited by the submitters: PubMed 32670577 (cited by Women's Health and Genetics/Laboratory Corporation of America, LabCorp and Labcorp Genetics (formerly Invitae), Labcorp); PubMed 17257682 (cited by Labcorp Genetics (formerly Invitae), Labcorp).